The following is an entry in ClinVar:

ClinVar aggregate classification (germline): Conflicting classifications of pathogenicity. Review status: criteria provided, conflicting classifications (1 of 4 stars). 5 submissions from 5 submitters: Likely pathogenic (1); Uncertain significance (4). Last evaluated 2026-03-26.

Conditions:
Thyroid dyshormonogenesis 6 (TDH6). Also called: HYPOTHYROIDISM, CONGENITAL, DUE TO DYSHORMONOGENESIS, 6; THYROID HORMONOGENESIS, GENETIC DEFECT IN, 6; Genetic transient congenital hypothyroidism. Identifiers: Orphanet 226316, Orphanet 95716, MedGen C1846632, MONDO:0011792, OMIM 607200.

Allele frequency attached by ClinVar (database versions not stated): TOPMed 0.00011; gnomAD 0.00016 and 0.00017; ESP Exome Variant Server 0.00031.
gnomAD v4.1: 398 of 1,613,964 alleles (0.025%); highest among the groups gnomAD compares: Non-Finnish European, 0.032%; no homozygotes.

Submissions (5):

GeneDx
Classification: Uncertain significance. Last evaluated: 2026-03-26. Review status: criteria provided, single submitter. Criteria: GeneDx Variant Classification Process June 2021. Collection method: clinical testing. Allele origin: germline.
Comment: In silico analysis supports that this missense variant has a deleterious effect on protein structure/function; This variant is associated with the following publications: (PMID: 33651715, 29650690, 38456993, 37390946, 34374102, 38468821, 35910219, 39126042, 32088313, 34564849, Liu2023-2[preprint])

Labcorp Genetics (formerly Invitae), Labcorp
Classification: Uncertain significance. Last evaluated: 2024-12-18. Review status: criteria provided, single submitter. Criteria: Invitae Variant Classification Sherloc (09022015). Collection method: clinical testing. Allele origin: germline.
Comment: This sequence change replaces alanine, which is neutral and non-polar, with threonine, which is neutral and polar, at codon 1131 of the DUOX2 protein (p.Ala1131Thr). This variant is present in population databases (rs147540920, gnomAD 0.04%). This missense change has been observed in individual(s) with DUOX2-related conditions (PMID: 29650690, 37390946). ClinVar contains an entry for this variant (Variation ID: 885943). Invitae Evidence Modeling of protein sequence and biophysical properties (such as structural, functional, and spatial information, amino acid conservation, physicochemical variation, residue mobility, and thermodynamic stability) indicates that this missense variant is expected to disrupt DUOX2 protein function with a positive predictive value of 80%. Experimental studies have shown that this missense change affects DUOX2 function (PMID: 34564849). In summary, the available evidence is currently insufficient to determine the role of this variant in disease. Therefore, it has been classified as a Variant of Uncertain Significance.

Fulgent Genetics
Classification: Likely pathogenic for Thyroid dyshormonogenesis 6. Last evaluated: 2024-05-17. Review status: criteria provided, single submitter. Criteria: ACMG Guidelines, 2015. Collection method: clinical testing. Allele origin: germline.

CeGaT Center for Human Genetics Tuebingen
Classification: Uncertain significance. Last evaluated: 2021-02-01. Review status: criteria provided, single submitter. Criteria: CeGaT Center For Human Genetics Tuebingen Variant Classification Criteria Version 2. Collection method: clinical testing. Allele origin: germline. Affected: yes. Observed: 2 variant alleles.

Illumina Laboratory Services, Illumina
Classification: Uncertain significance for Thyroid dyshormonogenesis 6. Last evaluated: 2018-01-12. Review status: criteria provided, single submitter. Criteria: ICSL Variant Classification Criteria 13 December 2019. Collection method: clinical testing. Allele origin: germline.

Literature cited by the submitters: PubMed 29650690 (cited by Labcorp Genetics (formerly Invitae), Labcorp); PubMed 37390946 (cited by Labcorp Genetics (formerly Invitae), Labcorp); PubMed 34564849 (cited by Labcorp Genetics (formerly Invitae), Labcorp).

NM_001363711.2(DUOX2):c.3391G>A (p.Ala1131Thr)

Gene: DUOX2 (dual oxidase 2; minus strand). Cytogenetic location: 15q21.1.
Variant type: single nucleotide variant.
Coding change: c.3391G>A on transcript NM_001363711.2 (MANE Select); coding-DNA position 3391, G replaced by A.
Protein change: p.Ala1131Thr; replaces alanine 1131 with threonine.
Molecular consequence: missense variant.
Genome position (GRCh38, 1-based): chr15:45,099,686, C>T on the plus strand (G>A on the coding strand, the complement: DUOX2 is on the minus strand). VCF-style: chr15-45099686-C-T. GRCh37 (hg19) VCF-style: chr15-45391884-C-T.
Other names: c.3391G>A, p.Ala1131Thr (NM_014080.5); short protein forms A1131T.
Identifiers: ClinVar variation 885943 (VCV000885943.44), dbSNP rs147540920, ClinGen allele CA7537890.